The following is an entry in ClinVar:

ClinVar aggregate classification (germline): Conflicting classifications of pathogenicity. Review status: criteria provided, conflicting classifications (1 of 4 stars). 2 submissions from 2 submitters: Uncertain significance (1); Likely benign (1). Last evaluated 2026-04-27.

Conditions:
TTN-related disorder. Also called: TTN-related condition; TTN-related disease; TTN-related disorders.

Allele frequency attached by ClinVar (database versions not stated): gnomAD 0.00001; TOPMed 0.00001; gnomAD exomes 0.00002 and 0.00003; ExAC 0.00006; ESP Exome Variant Server 0.00017.
gnomAD v4.1: 28 of 1,613,540 alleles (0.0017%); highest among the groups gnomAD compares: Non-Finnish European, 0.0023%; no homozygotes.

Submissions (2):

PreventionGenetics, part of Exact Sciences
Classification: Uncertain significance for TTN-related condition. Last evaluated: 2026-04-27. Review status: criteria provided, single submitter. Criteria: ACMG Guidelines, 2015. Collection method: clinical testing. Allele origin: germline.
Comment: The TTN c.89993C>T variant is predicted to result in the amino acid substitution p.Ser29998Leu. To our knowledge, this variant has not been reported in the literature. This variant is reported in 0.0063% of alleles in individuals of European (Non-Finnish) descent in gnomAD. At this time, the clinical significance of this variant is uncertain due to the absence of conclusive functional and genetic evidence.

GeneDx
Classification: Likely benign. Last evaluated: 2021-03-05. Review status: criteria provided, single submitter. Criteria: GeneDx Variant Classification Process June 2021. Collection method: clinical testing. Allele origin: germline. Affected: yes.

NM_001267550.2(TTN):c.89993C>T (p.Ser29998Leu)

Genes: TTN-AS1 (TTN antisense RNA 1; plus strand), TTN (titin; minus strand). Cytogenetic location: 2q31.2.
Variant type: single nucleotide variant.
Coding change: c.89993C>T on transcript NM_001267550.2 (MANE Select); coding-DNA position 89993, C replaced by T.
Protein change: p.Ser29998Leu; replaces serine 29998 with leucine.
Molecular consequence: missense variant.
Genome position (GRCh38, 1-based): chr2:178,552,907, G>A on the plus strand (C>T on the coding strand, the complement: TTN is on the minus strand). VCF-style: chr2-178552907-G-A. GRCh37 (hg19) VCF-style: chr2-179417634-G-A.
Other names: p.S28357L:TCG>TTG; c.85070C>T, p.Ser28357Leu (NM_001256850.1); c.62798C>T, p.Ser20933Leu (NM_003319.4); c.82289C>T, p.Ser27430Leu (NM_133378.4); c.63173C>T, p.Ser21058Leu (NM_133432.3); c.63374C>T, p.Ser21125Leu (NM_133437.4); short protein forms S28357L, S29998L, S21125L, S27430L, S20933L, S21058L.
Identifiers: ClinVar variation 202961 (VCV000202961.6), dbSNP rs376543931, ClinGen allele CA310817.